The following is an entry in ClinVar:

NM_000784.4(CYP27A1):c.404A>G (p.Glu135Gly)

Gene: CYP27A1 (cytochrome P450 family 27 subfamily A member 1; plus strand). Cytogenetic location: 2q35.
Variant type: single nucleotide variant.
Coding change: c.404A>G on transcript NM_000784.4 (MANE Select); coding-DNA position 404, A replaced by G.
Protein change: p.Glu135Gly; replaces glutamic acid 135 with glycine.
Molecular consequence: missense variant.
Genome position (GRCh38, 1-based): chr2:218,809,725, A>G. VCF-style: chr2-218809725-A-G. GRCh37 (hg19) VCF-style: chr2-219674448-A-G.
Other names: short protein forms E135G.
Identifiers: ClinVar variation 989507 (VCV000989507.2), dbSNP rs1943692342, ClinGen allele CA350583592.

ClinVar aggregate classification (germline): Uncertain significance. Review status: criteria provided, single submitter (1 of 4 stars). 2 submissions from 2 submitters: Uncertain significance (1). 1 of the submissions does not count toward it. Last evaluated 2024-05-14.

Conditions:
Cholestanol storage disease (CTX). Also called: CEREBRAL CHOLESTERINOSIS; Cerebrotendinous Xanthomatosis; CTX: Cerebrotendinous xanthomatosis. Identifiers: Orphanet 909, MedGen C0238052, MONDO:0008948, OMIM 213700.

Allele frequency attached by ClinVar (database versions not stated): gnomAD exomes below 0.00001.
gnomAD v4.1: 3 of 1,614,026 alleles (0.00019%); highest among the groups gnomAD compares: Non-Finnish European, 0.00017%; no homozygotes.

Submissions (2):

Women's Health and Genetics/Laboratory Corporation of America, LabCorp
Classification: Uncertain significance. Last evaluated: 2024-05-14. Review status: criteria provided, single submitter. Criteria: LabCorp Variant Classification Summary - May 2015. Collection method: clinical testing. Allele origin: germline.
Comment: Variant summary: CYP27A1 c.404A>G (p.Glu135Gly) results in a non-conservative amino acid change in the encoded protein sequence. Three of five in-silico tools predict a benign effect of the variant on protein function. The variant was absent in 251184 control chromosomes. The available data on variant occurrences in the general population are insufficient to allow any conclusion about variant significance. To our knowledge, no occurrence of c.404A>G in individuals affected with Cerebrotendinous Xanthomatosis and no experimental evidence demonstrating its impact on protein function have been reported. ClinVar contains an entry for this variant (Variation ID: 989507). Based on the evidence outlined above, the variant was classified as uncertain significance.

Natera, Inc.
Classification: Uncertain significance for Cerebrotendinous xanthomatosis. Last evaluated: 2020-08-14. Review status: no assertion criteria provided. Collection method: clinical testing. Allele origin: germline. Not counted in ClinVar's aggregate classification.